The following is an entry in ClinVar:

ClinVar aggregate classification (germline): Likely pathogenic (1 of 4 stars; one submission).

Conditions:
Hereditary cancer-predisposing syndrome. Also called: Neoplastic Syndromes, Hereditary; Tumor predisposition; Hereditary neoplastic syndrome; Hereditary Cancer Syndrome. Identifiers: Orphanet 140162, MedGen C0027672, MeSH D009386, MONDO:0015356.

Submission:

Ambry Genetics
Classification: Likely pathogenic for Hereditary cancer-predisposing syndrome. Last evaluated: 2024-04-19. Review status: criteria provided, single submitter. Criteria: Ambry Variant Classification Scheme 2023. Collection method: clinical testing. Allele origin: germline.
Comment: The c.757delC variant, located in coding exon 9 of the RAD51D gene, results from a deletion of one nucleotide at nucleotide position 757, causing a translational frameshift with a predicted alternate stop codon (p.R253Efs*57). This alteration occurs at the 3' terminus of theRAD51D gene, is not expected to trigger nonsense-mediated mRNA decay, and impacts the last 76 amino acids of the protein. However, premature stop codons are typically deleterious in nature and a significant portion of the protein is affected and the impacted region is critical for protein function (Ambry internal data). This variant is considered to be rare based on population cohorts in the Genome Aggregation Database (gnomAD). Based on the majority of available evidence to date, this variant is likely to be pathogenic

NM_002878.4(RAD51D):c.757del (p.Arg253fs)

Genes: RAD51D (RAD51 paralog D; minus strand), RAD51L3-RFFL (RAD51L3-RFFL readthrough; minus strand). Cytogenetic location: 17q12.
Variant type: Deletion.
Coding change: c.757del on transcript NM_002878.4 (MANE Select); coding-DNA position 757, one base deleted (C; older notation c.757delC).
Protein change: p.Arg253fs; shifts the reading frame from arginine 253.
Molecular consequence: frameshift variant. On other transcripts: non-coding transcript variant (3).
Genome position (GRCh38, 1-based): chr17:35,101,347, G deleted on the plus strand (C on the coding strand, the reverse complement: RAD51D is on the minus strand). VCF-style (leftmost placement, unchanged base first): chr17-35101346-CG-C. GRCh37 (hg19) VCF-style: chr17-33428365-CG-C.
Other names: c.817del, p.Arg273fs (NM_001142571.2); c.421del, p.Arg141fs (NM_133629.3); short protein forms R141fs, R253fs, R273fs.
Identifiers: ClinVar variation 3312400 (VCV003312400.1).